The following is an entry in ClinVar:

NM_024753.5(TTC21B):c.242A>C (p.His81Pro)

Gene: TTC21B (tetratricopeptide repeat domain 21B; minus strand). Cytogenetic location: 2q24.3.
Variant type: single nucleotide variant.
Coding change: c.242A>C on transcript NM_024753.5 (MANE Select); coding-DNA position 242, A replaced by C.
Protein change: p.His81Pro; replaces histidine 81 with proline.
Molecular consequence: missense variant.
Genome position (GRCh38, 1-based): chr2:165,949,414, T>G on the plus strand (A>C on the coding strand, the complement: TTC21B is on the minus strand). VCF-style: chr2-165949414-T-G. GRCh37 (hg19) VCF-style: chr2-166805924-T-G.
Other names: c.242A>C (NM_024753.3); short protein forms H81P.
Identifiers: ClinVar variation 1522252 (VCV001522252.7), dbSNP rs1687690052, ClinGen allele CA349055459.

ClinVar aggregate classification (germline): Uncertain significance. Review status: criteria provided, multiple submitters, no conflicts (2 of 4 stars). 2 submissions from 2 submitters: Uncertain significance (2). Last evaluated 2024-07-30.

Conditions:
Inborn genetic diseases. Identifiers: MedGen C0950123, MeSH D030342.
Nephronophthisis. Also called: Juvenile Nephronophthisis. Identifiers: Orphanet 655, MedGen C0687120, MONDO:0019005, HP:0000090.
Jeune thoracic dystrophy. Also called: Jeune syndrome; Infantile thoracic dystrophy; Thoracic pelvic phalangeal dystrophy; Jeune's syndrome; Chondroectodermal dysplasia-like syndrome; Short-rib thoracic dysplasia. Identifiers: Orphanet 474, MedGen C0265275, MONDO:0018770.

Allele frequency attached by ClinVar (database versions not stated): TOPMed below 0.00001.

Submissions (2):

Ambry Genetics
Classification: Uncertain significance for Inborn genetic diseases. Last evaluated: 2024-07-30. Review status: criteria provided, single submitter. Criteria: Ambry Variant Classification Scheme 2023. Collection method: clinical testing. Allele origin: germline.

Labcorp Genetics (formerly Invitae), Labcorp
Classification: Uncertain significance for Jeune thoracic dystrophy; Nephronophthisis. Last evaluated: 2022-02-21. Review status: criteria provided, single submitter. Criteria: Invitae Variant Classification Sherloc (09022015). Collection method: clinical testing. Allele origin: germline.
Comment: In summary, the available evidence is currently insufficient to determine the role of this variant in disease. Therefore, it has been classified as a Variant of Uncertain Significance. Algorithms developed to predict the effect of missense changes on protein structure and function are either unavailable or do not agree on the potential impact of this missense change (SIFT: "Deleterious"; PolyPhen-2: "Probably Damaging"; Align-GVGD: "Class C0"). This variant has not been reported in the literature in individuals affected with TTC21B-related conditions. This variant is not present in population databases (gnomAD no frequency). This sequence change replaces histidine, which is basic and polar, with proline, which is neutral and non-polar, at codon 81 of the TTC21B protein (p.His81Pro).